The following is an entry in ClinVar:

ClinVar aggregate classification (germline): Uncertain significance. Review status: criteria provided, multiple submitters, no conflicts (2 of 4 stars). 3 submissions from 3 submitters: Uncertain significance (3). Last evaluated 2024-12-16.

Conditions:
Inborn genetic diseases. Identifiers: MedGen C0950123, MeSH D030342.
Fanconi anemia (FA). Also called: Fanconi's anemia. Identifiers: Orphanet 84, MedGen C0015625, MeSH D005199, MONDO:0019391.

Allele frequency attached by ClinVar (database versions not stated): gnomAD 0.00001; gnomAD exomes 0.00001; TOPMed 0.00002; ExAC 0.00003.
gnomAD v4.1: 19 of 1,614,088 alleles (0.0012%); highest among the groups gnomAD compares: South Asian, 0.016%; no homozygotes.

Submissions (3):

Labcorp Genetics (formerly Invitae), Labcorp
Classification: Uncertain significance for Fanconi anemia. Last evaluated: 2024-12-16. Review status: criteria provided, single submitter. Criteria: Invitae Variant Classification Sherloc (09022015). Collection method: clinical testing. Allele origin: germline.
Comment: This sequence change replaces leucine, which is neutral and non-polar, with valine, which is neutral and non-polar, at codon 1156 of the FANCA protein (p.Leu1156Val). This variant is present in population databases (rs759632221, gnomAD 0.02%). This variant has not been reported in the literature in individuals affected with FANCA-related conditions. ClinVar contains an entry for this variant (Variation ID: 1981743). Invitae Evidence Modeling of protein sequence and biophysical properties (such as structural, functional, and spatial information, amino acid conservation, physicochemical variation, residue mobility, and thermodynamic stability) has been performed for this missense variant. However, the output from this modeling did not meet the statistical confidence thresholds required to predict the impact of this variant on FANCA protein function. In summary, the available evidence is currently insufficient to determine the role of this variant in disease. Therefore, it has been classified as a Variant of Uncertain Significance.

Ambry Genetics
Classification: Uncertain significance for Inborn genetic diseases. Last evaluated: 2024-11-25. Review status: criteria provided, single submitter. Criteria: Ambry Variant Classification Scheme 2023. Collection method: clinical testing. Allele origin: germline.
Comment: The p.L1156V variant (also known as c.3466C>G), located in coding exon 35 of the FANCA gene, results from a C to G substitution at nucleotide position 3466. The leucine at codon 1156 is replaced by valine, an amino acid with highly similar properties. This amino acid position is conserved. In addition, the in silico prediction for this alteration is inconclusive. Based on the available evidence, the clinical significance of this variant remains unclear.

Quest Diagnostics Nichols Institute San Juan Capistrano
Classification: Uncertain significance. Last evaluated: 2024-02-21. Review status: criteria provided, single submitter. Criteria: Quest Diagnostics criteria. Collection method: clinical testing. Allele origin: unknown.
Comment: The FANCA c.3466C>G (p.Leu1156Val) variant has not been reported in individuals with FANCA-related conditions in the published literature. The frequency of this variant in the general population, 0.0002 (6/30616 chromosomes (Genome Aggregation Database)), is uninformative in the assessment of its pathogenicity. Analysis of this variant using bioinformatics tools for the prediction of the effect of amino acid changes on protein structure and function yielded conflicting predictions that this variant is benign or damaging. Based on the available information, we are unable to determine the clinical significance of this variant.

NM_000135.4(FANCA):c.3466C>G (p.Leu1156Val)

Gene: FANCA (FA complementation group A; minus strand). Cytogenetic location: 16q24.3.
Variant type: single nucleotide variant.
Coding change: c.3466C>G on transcript NM_000135.4 (MANE Select); coding-DNA position 3466, C replaced by G.
Protein change: p.Leu1156Val; replaces leucine 1156 with valine.
Molecular consequence: missense variant.
Genome position (GRCh38, 1-based): chr16:89,746,631, G>C on the plus strand (C>G on the coding strand, the complement: FANCA is on the minus strand). VCF-style: chr16-89746631-G-C. GRCh37 (hg19) VCF-style: chr16-89813039-G-C.
Other names: c.3466C>G, p.Leu1156Val (NM_001286167.3); c.3466C>G (NM_000135.3); short protein forms L1156V.
Identifiers: ClinVar variation 1981743 (VCV001981743.5), dbSNP rs759632221, ClinGen allele CA8251144.